The following is an entry in ClinVar:

NM_000451.4(SHOX):c.634-2A>G

Gene: SHOX (SHOX homeobox; plus strand). Cytogenetic location: Yp11.2.
Variant type: single nucleotide variant.
Coding change: c.634-2A>G on transcript NM_000451.4 (MANE Select); the canonical splice acceptor site of the intron before coding-DNA position 634, A replaced by G.
Molecular consequence: splice acceptor variant. On other transcripts: intron variant (1).
Genome position (GRCh38, 1-based): chrX:644,389, A>G. VCF-style: chrX-644389-A-G. GRCh37 (hg19) VCF-style: chrX-605124-A-G.
Other names: c.633+3302A>G (NM_006883.2).
Identifiers: ClinVar variation 2505940 (VCV002505940.1), dbSNP rs2522147688, ClinGen allele CA412231950.

ClinVar aggregate classification (germline): Likely pathogenic (1 of 4 stars; one submission).

Submission:

GeneDx
Classification: Likely pathogenic. Last evaluated: 2022-12-13. Review status: criteria provided, single submitter. Criteria: GeneDx Variant Classification Process June 2021. Collection method: clinical testing. Allele origin: germline. Affected: yes.
Comment: Not observed at significant frequency in large population cohorts (gnomAD); Canonical splice site variant expected to result in aberrant splicing, although in the absence of functional evidence the actual effect of this sequence change is unknown.; This variant is associated with the following publications: (PMID: 24051572)